The following is an entry in ClinVar:

NM_001166114.2(PNPLA6):c.266del (p.Phe89fs)

Gene: PNPLA6 (patatin like domain 6, lysophospholipase; plus strand). Cytogenetic location: 19p13.2.
Variant type: Deletion.
Coding change: c.266del on transcript NM_001166114.2 (MANE Select); coding-DNA position 266, one base deleted (T; older notation c.266delT).
Protein change: p.Phe89fs; shifts the reading frame from phenylalanine 89.
Molecular consequence: frameshift variant.
Genome position (GRCh38, 1-based): chr19:7,536,224, T deleted; the last of 2 consecutive T bases (chr19:7,536,223-7,536,224); deleting either gives the same sequence. VCF-style (leftmost placement, unchanged base first): chr19-7536222-GT-G. GRCh37 (hg19) VCF-style: chr19-7601108-GT-G.
Other names: c.293del, p.Phe98fs (NM_001166111.2); c.149del, p.Phe50fs (NM_001166112.2, NM_001166113.1, NM_006702.5); short protein forms F98fs, F50fs, F89fs.
Identifiers: ClinVar variation 936817 (VCV000936817.7), dbSNP rs2022862975, ClinGen allele CA1139666213.
Genomic context (GRCh38, chr19:7,536,222, plus strand): 5'-GGAGTGCCCCTGTCCCCACCTATCCCCAGAAACCCCAGCCCCGGATGGCCCCCGGTATCG[GT>G]TCCGGAAGAGGGACAAAGTGCTCTTCTATGGCCGGAAGATTATGCGGAAGGTGAGTCCGG-3'

ClinVar aggregate classification (germline): Pathogenic (1 of 4 stars; one submission).

Conditions:
Hereditary spastic paraplegia 39 (SPG39). Also called: Spastic Paraplegia Type 39 (SPG39); SPASTIC PARAPLEGIA 39, AUTOSOMAL RECESSIVE. Identifiers: Orphanet 139480, MedGen C2677586, MONDO:0012787, OMIM 612020.

Submission:

Labcorp Genetics (formerly Invitae), Labcorp
Classification: Pathogenic for Hereditary spastic paraplegia 39. Last evaluated: 2025-04-28. Review status: criteria provided, single submitter. Criteria: Invitae Variant Classification Sherloc (09022015). Collection method: clinical testing. Allele origin: germline.
Comment: This sequence change creates a premature translational stop signal (p.Phe50Serfs*38) in the PNPLA6 gene. It is expected to result in an absent or disrupted protein product. Loss-of-function variants in PNPLA6 are known to be pathogenic (PMID: 24355708). This variant is not present in population databases (gnomAD no frequency). This variant has not been reported in the literature in individuals affected with PNPLA6-related conditions. ClinVar contains an entry for this variant (Variation ID: 936817). For these reasons, this variant has been classified as Pathogenic.

Literature cited by the submitters: PubMed 24355708.